The following is an entry in ClinVar:

NM_002907.4(RECQL):c.235del (p.Val79fs)

Gene: RECQL (RecQ like helicase; minus strand). Cytogenetic location: 12p12.1.
Variant type: Deletion.
Coding change: c.235del on transcript NM_002907.4 (MANE Select); coding-DNA position 235, one base deleted (G; older notation c.235delG).
Protein change: p.Val79fs; shifts the reading frame from valine 79.
Molecular consequence: frameshift variant.
Genome position (GRCh38, 1-based): chr12:21,490,358, C deleted on the plus strand (G on the coding strand, the reverse complement: RECQL is on the minus strand). VCF-style (leftmost placement, unchanged base first): chr12-21490357-AC-A. GRCh37 (hg19) VCF-style: chr12-21643291-AC-A.
Other names: c.235del, p.Val79fs (NM_032941.3); short protein forms V79fs.
Identifiers: ClinVar variation 2565557 (VCV002565557.2), dbSNP rs2540400539, ClinGen allele CA2580615148.

ClinVar aggregate classification (germline): Uncertain significance (1 of 4 stars; one submission).

Submission:

Ambry Genetics
Classification: Uncertain significance. Last evaluated: 2023-03-16. Review status: criteria provided, single submitter. Criteria: Ambry Variant Classification Scheme 2023. Collection method: clinical testing. Allele origin: germline.
Comment: The c.235delG variant, located in coding exon 3 of the RECQL gene, results from a deletion of one nucleotide at nucleotide position 235, causing a translational frameshift with a predicted alternate stop codon (p.V79Lfs*24). This alteration is expected to result in loss of function by premature protein truncation or nonsense-mediated mRNA decay. The evidence for this gene-disease relationship is limited; therefore, the clinical significance of this alteration is unclear.